The following is an entry in ClinVar:

ClinVar aggregate classification (germline): Uncertain significance (1 of 4 stars; one submission).

Conditions:
Hereditary cancer-predisposing syndrome. Also called: Hereditary neoplastic syndrome; Neoplastic Syndromes, Hereditary; Tumor predisposition; Hereditary Cancer Syndrome. Identifiers: Orphanet 140162, MedGen C0027672, MeSH D009386, MONDO:0015356.

Submission:

Ambry Genetics
Classification: Uncertain significance for Hereditary cancer-predisposing syndrome. Last evaluated: 2025-02-28. Review status: criteria provided, single submitter. Criteria: Ambry Variant Classification Scheme 2023. Collection method: clinical testing. Allele origin: germline.
Comment: The p.L400P variant (also known as c.1199T>C), located in coding exon 5 of the BLM gene, results from a T to C substitution at nucleotide position 1199. The leucine at codon 400 is replaced by proline, an amino acid with similar properties. This amino acid position is conserved. In addition, this alteration is predicted to be deleterious by in silico analysis. Based on the available evidence, the clinical significance of this variant remains unclear.

NM_000057.4(BLM):c.1199T>C (p.Leu400Pro)

Gene: BLM (BLM RecQ like helicase; plus strand). Cytogenetic location: 15q26.1.
Variant type: single nucleotide variant.
Coding change: c.1199T>C on transcript NM_000057.4 (MANE Select); coding-DNA position 1199, T replaced by C.
Protein change: p.Leu400Pro; replaces leucine 400 with proline.
Molecular consequence: missense variant.
Genome position (GRCh38, 1-based): chr15:90,760,258, T>C. VCF-style: chr15-90760258-T-C. GRCh37 (hg19) VCF-style: chr15-91303488-T-C.
Other names: c.1199T>C, p.Leu400Pro (NM_001287246.2, NM_001287247.2); c.74T>C, p.Leu25Pro (NM_001287248.2); short protein forms L400P, L25P.
Identifiers: ClinVar variation 3824476 (VCV003824476.1).